The following is an entry in ClinVar:

ClinVar aggregate classification (germline): Conflicting classifications of pathogenicity. Review status: criteria provided, conflicting classifications (1 of 4 stars). 4 submissions from 4 submitters: Uncertain significance (2); Likely benign (2). Last evaluated 2026-01-05.

Conditions:
SH3TC2-related disorder. Also called: SH3TC2-related condition; SH3TC2-related disorders. Identifiers: MedGen CN239303.
Inborn genetic diseases. Identifiers: MedGen C0950123, MeSH D030342.
Charcot-Marie-Tooth disease type 4. Also called: Charcot-Marie-Tooth disease, type IV; Charcot-Marie-Tooth, Type 4. Identifiers: Orphanet 64749, MedGen C4082197, MONDO:0018995.

Allele frequency attached by ClinVar (database versions not stated): gnomAD exomes 0.00005 and 0.00011; gnomAD 0.00040 and 0.00046; TOPMed 0.00044; ESP Exome Variant Server 0.00054; ExAC 0.00012; 1000 Genomes Project 0.00020; 1000 Genomes Project 30x 0.00031.
gnomAD v4.1: 130 of 1,614,182 alleles (0.0081%); highest among the groups gnomAD compares: African/African-American, 0.16%; no homozygotes.

Submissions (4):

Labcorp Genetics (formerly Invitae), Labcorp
Classification: Likely benign for Charcot-Marie-Tooth disease type 4. Last evaluated: 2026-01-05. Review status: criteria provided, single submitter. Criteria: Invitae Variant Classification Sherloc (09022015). Collection method: clinical testing. Allele origin: germline.

PreventionGenetics, part of Exact Sciences
Classification: Likely benign for SH3TC2-related condition. Last evaluated: 2025-10-22. Review status: criteria provided, single submitter. Criteria: ACMG Guidelines, 2015. Collection method: clinical testing. Allele origin: germline.
Comment: This variant is classified as likely benign based on ACMG/AMP sequence variant interpretation guidelines (Richards et al. 2015 PMID: 25741868, with internal and published modifications).

GeneDx
Classification: Uncertain significance. Last evaluated: 2025-07-08. Review status: criteria provided, single submitter. Criteria: GeneDx Variant Classification Process June 2021. Collection method: clinical testing. Allele origin: germline. Affected: yes.
Comment: In silico analysis suggests that this missense variant does not alter protein structure/function; Has not been previously published as pathogenic or benign to our knowledge

Ambry Genetics
Classification: Uncertain significance for Inborn genetic diseases. Last evaluated: 2025-06-03. Review status: criteria provided, single submitter. Criteria: Ambry Variant Classification Scheme 2023. Collection method: clinical testing. Allele origin: germline.

NM_024577.4(SH3TC2):c.257A>G (p.Gln86Arg)

Gene: SH3TC2 (SH3 domain and tetratricopeptide repeats 2; minus strand). Cytogenetic location: 5q32.
Variant type: single nucleotide variant.
Coding change: c.257A>G on transcript NM_024577.4 (MANE Select); coding-DNA position 257, A replaced by G.
Protein change: p.Gln86Arg; replaces glutamine 86 with arginine.
Molecular consequence: missense variant.
Genome position (GRCh38, 1-based): chr5:149,047,884, T>C on the plus strand (A>G on the coding strand, the complement: SH3TC2 is on the minus strand). VCF-style: chr5-149047884-T-C. GRCh37 (hg19) VCF-style: chr5-148427447-T-C.
Other names: short protein forms Q86R.
Identifiers: ClinVar variation 573511 (VCV000573511.20), dbSNP rs138429238, ClinGen allele CA3499587.
Genomic context (GRCh38, chr5:149,047,884, plus strand): 5'-GTCAGTACTCAGCATTCACCTGTTTCCTTCATGCTCACCTTAAACAGCATGCGCACCTCC[T>C]GGTCCTCATTCTCCAGTGCCCAGAGCCGCCTCCGAGCAGCTTCCTGTAGGGGTCCATTTA-3'
Protein context (NP_078853.2, residues 76-96): RRLWALENED[Gln86Arg]EVRMLFKDLS